The following is an entry in ClinVar:

NC_000010.10:g.(?_101478103)_(101478257_?)del

Gene: COX15 (cytochrome c oxidase assembly homolog COX15; minus strand). Cytogenetic location: 10q24.2.
Variant type: Deletion.
Identifiers: ClinVar variation 1074263 (VCV001074263.5).

ClinVar aggregate classification (germline): Pathogenic (1 of 4 stars; one submission).

Submission:

Labcorp Genetics (formerly Invitae), Labcorp
Classification: Pathogenic. Last evaluated: 2017-09-17. Review status: criteria provided, single submitter. Criteria: Invitae Variant Classification Sherloc (09022015). Collection method: clinical testing. Allele origin: germline.
Comment: This variant has not been reported in the literature in individuals with COX15-related disease. For these reasons, this variant has been classified as Pathogenic. Loss-of-function variants in COX15 are known to be pathogenic (PMID: 21412973). This variant is an out-of-frame deletion of the genomic region encompassing exon 7 of the COX15 gene. This is expected to create a premature translational stop signal and result in an absent or disrupted protein product.

Literature cited by the submitters: PubMed 21412973.